The following is an entry in ClinVar:

ClinVar aggregate classification (germline): Uncertain significance (1 of 4 stars; one submission).

Conditions:
Hereditary cancer-predisposing syndrome. Also called: Neoplastic Syndromes, Hereditary; Hereditary Cancer Syndrome; Hereditary neoplastic syndrome; Tumor predisposition. Identifiers: Orphanet 140162, MedGen C0027672, MeSH D009386, MONDO:0015356.

Submission:

Ambry Genetics
Classification: Uncertain significance for Hereditary cancer-predisposing syndrome. Last evaluated: 2023-06-10. Review status: criteria provided, single submitter. Criteria: Ambry Variant Classification Scheme 2023. Collection method: clinical testing. Allele origin: germline.
Comment: The p.S1728C variant (also known as c.5183C>G), located in coding exon 23 of the DICER1 gene, results from a C to G substitution at nucleotide position 5183. The serine at codon 1728 is replaced by cysteine, an amino acid with dissimilar properties. This amino acid position is conserved. In addition, this alteration is predicted to be deleterious by in silico analysis. Since supporting evidence is limited at this time, the clinical significance of this alteration remains unclear.

NM_177438.3(DICER1):c.5183C>G (p.Ser1728Cys)

Gene: DICER1 (dicer 1, ribonuclease III; minus strand). Cytogenetic location: 14q32.13.
Variant type: single nucleotide variant.
Coding change: c.5183C>G on transcript NM_177438.3 (MANE Select); coding-DNA position 5183, C replaced by G.
Protein change: p.Ser1728Cys; replaces serine 1728 with cysteine.
Molecular consequence: missense variant. On other transcripts: non-coding transcript variant (6).
Genome position (GRCh38, 1-based): chr14:95,094,069, G>C on the plus strand (C>G on the coding strand, the complement: DICER1 is on the minus strand). VCF-style: chr14-95094069-G-C. GRCh37 (hg19) VCF-style: chr14-95560406-G-C.
Other names: c.5183C>G, p.Ser1728Cys (NM_001195573.1, NM_001271282.3, NM_001291628.2 and 9 more transcripts); c.4901C>G, p.Ser1634Cys (NM_001395686.1); c.4778C>G, p.Ser1593Cys (NM_001395687.1, NM_001395688.1, NM_001395689.1 and 1 more transcripts); c.4616C>G, p.Ser1539Cys (NM_001395691.1); c.3500C>G, p.Ser1167Cys (NM_001395697.1); short protein forms S1634C, S1167C, S1593C, S1728C, S1539C.
Identifiers: ClinVar variation 2560993 (VCV002560993.2), dbSNP rs762801582, ClinGen allele CA390865259.